The following is an entry in ClinVar:

NM_000787.4(DBH):c.299T>C (p.Leu100Pro)

Gene: DBH (dopamine beta-hydroxylase; plus strand). Cytogenetic location: 9q34.2.
Variant type: single nucleotide variant.
Coding change: c.299T>C on transcript NM_000787.4 (MANE Select); coding-DNA position 299, T replaced by C.
Protein change: p.Leu100Pro; replaces leucine 100 with proline.
Molecular consequence: missense variant.
Genome position (GRCh38, 1-based): chr9:133,636,670, T>C. VCF-style: chr9-133636670-T-C. GRCh37 (hg19) VCF-style: chr9-136501792-T-C.
Other names: short protein forms L100P.
Identifiers: ClinVar variation 1361209 (VCV001361209.8), dbSNP rs2131281349, ClinGen allele CA375407887.

ClinVar aggregate classification (germline): Uncertain significance (1 of 4 stars; one submission).

Conditions:
Orthostatic hypotension 1 (ORTHYP1). Also called: NORADRENALINE DEFICIENCY; NOREPINEPHRINE DEFICIENCY; Orthostatic hypotension 1, due to DBH deficiency; Dopamine beta-hydroxylase deficiency. Identifiers: Orphanet 230, MedGen C4746777, MONDO:0009123, OMIM 223360.

Submission:

Labcorp Genetics (formerly Invitae), Labcorp
Classification: Uncertain significance for Orthostatic hypotension 1. Last evaluated: 2022-08-23. Review status: criteria provided, single submitter. Criteria: Invitae Variant Classification Sherloc (09022015). Collection method: clinical testing. Allele origin: germline.
Comment: This variant is not present in population databases (gnomAD no frequency). This sequence change replaces leucine, which is neutral and non-polar, with proline, which is neutral and non-polar, at codon 100 of the DBH protein (p.Leu100Pro). This variant has not been reported in the literature in individuals affected with DBH-related conditions. In summary, the available evidence is currently insufficient to determine the role of this variant in disease. Therefore, it has been classified as a Variant of Uncertain Significance. Algorithms developed to predict the effect of missense changes on protein structure and function (SIFT, PolyPhen-2, Align-GVGD) all suggest that this variant is likely to be disruptive. ClinVar contains an entry for this variant (Variation ID: 1361209).